The following is an entry in ClinVar:

ClinVar aggregate classification (germline): Uncertain significance (1 of 4 stars; one submission).

Conditions:
Inborn genetic diseases. Identifiers: MedGen C0950123, MeSH D030342.

Submission:

Ambry Genetics
Classification: Uncertain significance for Inborn genetic diseases. Last evaluated: 2021-09-16. Review status: criteria provided, single submitter. Criteria: Ambry Variant Classification Scheme 2023. Collection method: clinical testing. Allele origin: germline.
Comment: The p.F925Y variant (also known as c.2774T>A), located in coding exon 13 of the ATR gene, results from a T to A substitution at nucleotide position 2774. The phenylalanine at codon 925 is replaced by tyrosine, an amino acid with highly similar properties. This amino acid position is conserved. In addition, the in silico prediction for this alteration is inconclusive. Since supporting evidence is limited at this time, the clinical significance of this alteration remains unclear.

NM_001184.4(ATR):c.2774T>A (p.Phe925Tyr)

Gene: ATR (ATR checkpoint kinase; minus strand). Cytogenetic location: 3q23.
Variant type: single nucleotide variant.
Coding change: c.2774T>A on transcript NM_001184.4 (MANE Select); coding-DNA position 2774, T replaced by A.
Protein change: p.Phe925Tyr; replaces phenylalanine 925 with tyrosine.
Molecular consequence: missense variant.
Genome position (GRCh38, 1-based): chr3:142,553,258, A>T on the plus strand (T>A on the coding strand, the complement: ATR is on the minus strand). VCF-style: chr3-142553258-A-T. GRCh37 (hg19) VCF-style: chr3-142272100-A-T.
Other names: c.2582T>A, p.Phe861Tyr (NM_001354579.2); short protein forms F925Y, F861Y.
Identifiers: ClinVar variation 1795838 (VCV001795838.2), dbSNP rs2473379612, ClinGen allele CA354814305.